The following is an entry in ClinVar:

ClinVar aggregate classification (germline): Uncertain significance (1 of 4 stars; one submission).

Conditions:
Primary ciliary dyskinesia. Also called: Ciliary dyskinesia. Identifiers: Orphanet 244, MedGen C0008780, MONDO:0016575, HP:0012265.

Allele frequency attached by ClinVar (database versions not stated): gnomAD exomes 0.00001 and 0.00002; TOPMed 0.00002; ExAC 0.00003.
gnomAD v4.1: 5 of 1,614,168 alleles (0.00031%); highest among the groups gnomAD compares: Admixed American, 0.0083%; no homozygotes.

Submission:

Labcorp Genetics (formerly Invitae), Labcorp
Classification: Uncertain significance for Primary ciliary dyskinesia. Last evaluated: 2021-12-30. Review status: criteria provided, single submitter. Criteria: Invitae Variant Classification Sherloc (09022015). Collection method: clinical testing. Allele origin: germline.
Comment: This sequence change replaces asparagine, which is neutral and polar, with aspartic acid, which is acidic and polar, at codon 706 of the CCDC40 protein (p.Asn706Asp). This variant is present in population databases (rs770751519, gnomAD 0.02%). This variant has not been reported in the literature in individuals affected with CCDC40-related conditions. ClinVar contains an entry for this variant (Variation ID: 578057). Algorithms developed to predict the effect of missense changes on protein structure and function (SIFT, PolyPhen-2, Align-GVGD) all suggest that this variant is likely to be tolerated. In summary, the available evidence is currently insufficient to determine the role of this variant in disease. Therefore, it has been classified as a Variant of Uncertain Significance.

NM_017950.4(CCDC40):c.2116A>G (p.Asn706Asp)

Gene: CCDC40 (coiled-coil domain 40 molecular ruler complex subunit; plus strand). Cytogenetic location: 17q25.3.
Variant type: single nucleotide variant.
Coding change: c.2116A>G on transcript NM_017950.4 (MANE Select); coding-DNA position 2116, A replaced by G.
Protein change: p.Asn706Asp; replaces asparagine 706 with aspartic acid.
Molecular consequence: missense variant.
Genome position (GRCh38, 1-based): chr17:80,084,869, A>G. VCF-style: chr17-80084869-A-G. GRCh37 (hg19) VCF-style: chr17-78058668-A-G.
Other names: c.2116A>G, p.Asn706Asp (NM_001243342.2); short protein forms N706D.
Identifiers: ClinVar variation 578057 (VCV000578057.6), dbSNP rs770751519, ClinGen allele CA8814111.
Genomic context (GRCh38, chr17:80,084,869, plus strand): 5'-AGCAGGCTGGACGCACACCAGAAGACCCTGGTGGAGCTGGACCAGGACGTGAAGAAAGTC[A>G]ACGAGCTCATCACCAACAGCCAGAGCGAGATCTCCCGGCGCACGATCCTGATCGAGAGGA-3'
Protein context (NP_060420.2, residues 696-716): VELDQDVKKV[Asn706Asp]ELITNSQSEI